The following is an entry in ClinVar:

NM_004333.6(BRAF):c.722C>T (p.Thr241Met)

Gene: BRAF (B-Raf proto-oncogene, serine/threonine kinase; minus strand). Cytogenetic location: 7q34.
Variant type: single nucleotide variant.
Coding change: c.722C>T on transcript NM_004333.6 (MANE Select); coding-DNA position 722, C replaced by T.
Protein change: p.Thr241Met; replaces threonine 241 with methionine.
Molecular consequence: missense variant.
Genome position (GRCh38, 1-based): chr7:140,801,550, G>A on the plus strand (C>T on the coding strand, the complement: BRAF is on the minus strand). VCF-style: chr7-140801550-G-A. GRCh37 (hg19) VCF-style: chr7-140501350-G-A.
Other names: p.T241M:ACG>ATG; NM_004333.4(BRAF):c.722C>T(p.Thr241Met); c.722C>T (NM_004333.5, NM_001354609.1); c.722C>T, p.Thr241Met (NM_001354609.2, NM_001374244.1, NM_001374258.1 and 4 more transcripts); c.731C>T, p.Thr244Met (NM_001378467.1); c.620C>T, p.Thr207Met (NM_001378470.1); c.566C>T, p.Thr189Met (NM_001378472.1, NM_001378473.1); c.458C>T, p.Thr153Met (NM_001378475.1); short protein forms T241M, T189M, T207M, T244M, T153M.
Identifiers: ClinVar variation 29805 (VCV000029805.63), dbSNP rs387906660, ClinGen allele CA259660.

ClinVar aggregate classification (germline): Pathogenic/Likely pathogenic. Review status: criteria provided, multiple submitters, no conflicts (2 of 4 stars). 20 submissions from 20 submitters: Pathogenic (14); Likely pathogenic (1). 5 of the submissions do not count toward it. Last evaluated 2026-08-24.

Conditions:
BRAF-related disorder. Also called: BRAF-related condition.
Noonan syndrome 1 (NS1). Also called: TURNER PHENOTYPE WITH NORMAL KARYOTYPE; PTPN11-Related Noonan Syndrome; FEMALE PSEUDO-TURNER SYNDROME. Identifiers: Orphanet 648, MedGen C4551602, MONDO:0008104, OMIM 163950. Disease mechanism: gain of function.
Lung carcinoma. Identifiers: MedGen C0684249, MONDO:0005138.
Noonan syndrome 7 (NS7). Also called: BRAF-Related Noonan Syndrome. Identifiers: Orphanet 648, MedGen C3150970, MONDO:0013379, OMIM 613706.
LEOPARD syndrome 3 (LPRD3). Identifiers: Orphanet 500, MedGen C3150971, MONDO:0013380, OMIM 613707.
Cardiofaciocutaneous syndrome 1 (CFC1). Also called: BRAF-Related Cardiofaciocutaneous Syndrome. Identifiers: Orphanet 1340, MedGen CN029449, MONDO:0007265, OMIM 115150. Disease mechanism: gain of function.
Cardio-facio-cutaneous syndrome. Also called: Cardiofaciocutaneous syndrome; CFC syndrome. Identifiers: Orphanet 1340, MedGen C1275081, MONDO:0015280. Disease mechanism: gain of function.
RASopathy. Also called: rasopathies; Noonan spectrum disorder. Identifiers: Orphanet 536391, MedGen C5555857, MONDO:0021060.
Noonan syndrome (NS). Also called: Noonan's syndrome. Identifiers: Orphanet 648, MedGen C0028326, MeSH D009634, MONDO:0018997. Disease mechanism: gain of function.

Allele frequency attached by ClinVar (database versions not stated): gnomAD exomes below 0.00001; TOPMed below 0.00001; gnomAD 0.00001.
gnomAD v4.1: 2 of 1,612,376 alleles (0.00012%); highest among the groups gnomAD compares: Non-Finnish European, 0.00017%; no homozygotes.

Submissions 1 to 9 of 20:

Institute of Human Genetics, University of Leipzig Medical Center
Classification: Pathogenic for Noonan syndrome 7. Last evaluated: 2026-08-24. Review status: criteria provided, single submitter. Criteria: ACMG Guidelines, 2015. Collection method: clinical testing. Allele origin: unknown. Inheritance: Autosomal dominant inheritance. Affected: yes.
Comment: Criteria applied: PS2_VSTR,PS4,PM5_STR,PP2,PP3

3billion
Classification: Pathogenic for Noonan syndrome 7. Last evaluated: 2026-01-08. Review status: criteria provided, single submitter. Criteria: ACMG Guidelines, 2015. Collection method: clinical testing. Allele origin: germline. Affected: yes.
Comment: The variant is observed at an extremely low frequency in the gnomAD v4.1.0 dataset (total allele frequency: <0.001%). Predicted Consequence/Location: The variant is located in a mutational hot spot and/or well-established functional domain in which established pathogenic variants have been reported. In silico tool predictions suggest damaging effect of the variant on gene or gene product [REVEL: 0.93 (>=0.6, sensitivity 0.68 and specificity 0.92); 3Cnet: 0.99 (> 0.75, sensitivity 0.96 and precision 0.92)]. The same nucleotide change resulting in the same amino acid change has been previously reported as pathogenic/likely pathogenic with strong evidence (ClinVar ID: VCV000029805 /PMID: 19206169 /3billion dataset). Different missense changes at the same codon (p.Thr241Ala, p.Thr241Arg, p.Thr241Lys, p.Thr241Pro) have been reported as pathogenic/likely pathogenic with strong evidence (ClinVar ID: VCV000029806, VCV000029807, VCV000044829, VCV003373467 /PMID: 17704260, 19206169, 38958063 /3billion dataset). Therefore, this variant is classified as Pathogenic according to the recommendation of ACMG/AMP guideline.

PreventionGenetics, part of Exact Sciences
Classification: Pathogenic for BRAF-related condition. Last evaluated: 2023-09-15. Review status: criteria provided, single submitter. Criteria: ACMG Guidelines, 2015. Collection method: clinical testing. Allele origin: germline.
Comment: The BRAF c.722C>T variant is predicted to result in the amino acid substitution p.Thr241Met. This variant was reported in numerous individuals with BRAF-associated disorders, including at least four de novo cases (Okuzono et al. 2019. PubMed ID: 30414707; supplementary database 2, Edwards et al. 2020. PubMed ID: 32368696; Table S1, Kosaki et al. 2020. PubMed ID: 32369273; Hiraide et al. 2021. PubMed ID: 33644862; Swarts et al. 2022. PubMed ID: 35979676). This variant is reported in 0.00079% of alleles in individuals of European (Non-Finnish) descent in gnomAD. This variant is interpreted as pathogenic.

CeGaT Center for Human Genetics Tuebingen
Classification: Pathogenic. Last evaluated: 2023-06-01. Review status: criteria provided, single submitter. Criteria: CeGaT Center For Human Genetics Tuebingen Variant Classification Criteria Version 2. Collection method: clinical testing. Allele origin: germline. Affected: yes. Observed: 1 variant allele.
Comment: BRAF: PS2, PM5, PM2:Supporting, PP2, PP3, PS4:Supporting

Women's Health and Genetics/Laboratory Corporation of America, LabCorp
Classification: Pathogenic for Cardio-facio-cutaneous syndrome. Last evaluated: 2023-04-24. Review status: criteria provided, single submitter. Criteria: LabCorp Variant Classification Summary - May 2015. Collection method: clinical testing. Allele origin: germline.
Comment: Variant summary: BRAF c.722C>T (p.Thr241Met) results in a non-conservative amino acid change located in the Protein kinase C-like, phorbol ester/diacylglycerol-binding domain (IPR002219) of the encoded protein sequence. Five of five in-silico tools predict a damaging effect of the variant on protein function. The variant was absent in 248524 control chromosomes (gnomAD). c.722C>T has been reported in the literature in multiple individuals affected with Cardiofaciocutaneous Syndrome, Noonan Syndrome and Congenital heart disease (examples: Sarkozy_2009, Jin_2017, Okuzono_2019, Edwards_2020, Lee_2021, and Hiraide_2021) and multiple cases are reported as de novo occurrences (examples: Jin_2017, Okuzono_2019, Edwards_2020, and Hiraide_2021). These data indicate that the variant is very likely to be associated with disease. Ten clinical diagnostic laboratories have submitted clinical-significance assessments for this variant to ClinVar after 2014 and all classified the variant as pathogenic/likely pathogenic. Based on the evidence outlined above, the variant was classified as pathogenic.

Clinical Genetics Laboratory, Skane University Hospital Lund
Classification: Pathogenic. Last evaluated: 2022-05-27. Review status: criteria provided, single submitter. Criteria: ACMG Guidelines, 2015. Collection method: clinical testing. Allele origin: germline. Affected: yes.

GeneDx
Classification: Pathogenic. Last evaluated: 2022-04-06. Review status: criteria provided, single submitter. Criteria: GeneDx Variant Classification Process June 2021. Collection method: clinical testing. Allele origin: germline. Affected: yes.
Comment: The majority of missense variants in this gene are considered pathogenic (HGMD); Not observed at significant frequency in large population cohorts (gnomAD); In silico analysis supports that this missense variant has a deleterious effect on protein structure/function; This variant is associated with the following publications: (PMID: 30414707, 19206169, 24803665, 28991257, 30525188, 32369273, 15488754, 16439621, 17603483, 24957944, 15520807, 29493581, 32368696, 33644862, 33040082, 33004838)

Labcorp Genetics (formerly Invitae), Labcorp
Classification: Pathogenic for RASopathy. Last evaluated: 2022-04-04. Review status: criteria provided, single submitter. Criteria: Invitae Variant Classification Sherloc (09022015). Collection method: clinical testing. Allele origin: germline.
Comment: This sequence change replaces threonine, which is neutral and polar, with methionine, which is neutral and non-polar, at codon 241 of the BRAF protein (p.Thr241Met). The frequency data for this variant in the population databases is considered unreliable, as metrics indicate poor data quality at this position in the gnomAD database. This missense change has been observed in individual(s) with Noonan Syndrome (PMID: 19206169). In at least one individual the variant was observed to be de novo. ClinVar contains an entry for this variant (Variation ID: 29805). Advanced modeling of protein sequence and biophysical properties (such as structural, functional, and spatial information, amino acid conservation, physicochemical variation, residue mobility, and thermodynamic stability) performed at Invitae indicates that this missense variant is expected to disrupt BRAF protein function. This variant disrupts the p.Thr241 amino acid residue in BRAF. Other variant(s) that disrupt this residue have been determined to be pathogenic (PMID: 17704260, 18042262, 23950000). This suggests that this residue is clinically significant, and that variants that disrupt this residue are likely to be disease-causing. For these reasons, this variant has been classified as Pathogenic.

Blueprint Genetics
Classification: Pathogenic for BRAF-related disorders. Last evaluated: 2021-02-23. Review status: criteria provided, single submitter. Criteria: ACMG Guidelines, 2015. Collection method: clinical testing. Allele origin: germline. Affected: yes. Observed: 2 variant alleles.